The following is an entry in ClinVar:

ClinVar aggregate classification (germline): Uncertain significance (0 of 4 stars; one submission).

Conditions:
ALMS1-related disorder. Also called: ALMS1-related condition.

Submission:

PreventionGenetics, part of Exact Sciences
Classification: Uncertain significance for ALMS1-related condition. Last evaluated: 2024-05-23. Review status: no assertion criteria provided. Collection method: clinical testing. Allele origin: germline.
Comment: The ALMS1 c.3421A>G variant is predicted to result in the amino acid substitution p.Thr1141Ala. To our knowledge, this variant has not been reported in the literature. This variant is reported in 0.00089% of alleles in individuals of European (Non-Finnish) descent in gnomAD. At this time, the clinical significance of this variant is uncertain due to the absence of conclusive functional and genetic evidence.

NM_001378454.1(ALMS1):c.3418A>G (p.Thr1140Ala)

Gene: ALMS1 (ALMS1 centrosome and basal body associated protein; plus strand). Cytogenetic location: 2p13.1.
Variant type: single nucleotide variant.
Coding change: c.3418A>G on transcript NM_001378454.1 (MANE Select); coding-DNA position 3418, A replaced by G.
Protein change: p.Thr1140Ala; replaces threonine 1140 with alanine.
Molecular consequence: missense variant.
Genome position (GRCh38, 1-based): chr2:73,449,945, A>G. VCF-style: chr2-73449945-A-G. GRCh37 (hg19) VCF-style: chr2-73677072-A-G.
Other names: c.3421A>G, p.Thr1141Ala (NM_015120.4); short protein forms T1140A, T1141A.
Identifiers: ClinVar variation 3347715 (VCV003347715.1).
Genomic context (GRCh38, chr2:73,449,945, plus strand): 5'-GCTCTGAAAATTTCAGTAGCTCCTGGACTAGCAGACCAGAAGACTGGCACACCAACTGTA[A>G]CCTCAACTTCCTACTCACAACATAGAGAAAAGCCCAGCATTTTCCACCAGCAGGCCTTGC-3'
Protein context (NP_001365383.1, residues 1130-1150): ADQKTGTPTV[Thr1140Ala]STSYSQHREK